The following is an entry in ClinVar:

ClinVar aggregate classification (germline): Likely benign. Review status: criteria provided, multiple submitters, no conflicts (2 of 4 stars). 2 submissions from 2 submitters: Likely benign (2). Last evaluated 2025-04-14.

Conditions:
Familial cancer of breast. Also called: BREAST CANCER, FAMILIAL; Hereditary breast cancer; hereditary breast carcinoma. Identifiers: Orphanet 227535, MedGen C0346153, MONDO:0016419, OMIM 114480. Disease mechanism: loss of function.

gnomAD v4.1: 1 of 1,401,806 alleles (0.000071%); highest among the groups gnomAD compares: Non-Finnish European, 0.0001%; no homozygotes.

Submissions (2):

Labcorp Genetics (formerly Invitae), Labcorp
Classification: Likely benign for Familial cancer of breast. Last evaluated: 2025-04-14. Review status: criteria provided, single submitter. Criteria: Invitae Variant Classification Sherloc (09022015). Collection method: clinical testing. Allele origin: germline.

Myriad Genetics, Inc.
Classification: Likely benign for Familial cancer of breast. Last evaluated: 2024-10-03. Review status: criteria provided, single submitter. Criteria: Myriad Autosomal Dominant, Autosomal Recessive and X-Linked Classification Criteria (2023). Collection method: clinical testing. Allele origin: unknown.
Comment: This variant is considered likely benign. This variant is intronic and is not expected to impact mRNA splicing.

NM_007194.4(CHEK2):c.846+10A>G

Gene: CHEK2 (checkpoint kinase 2; minus strand). Cytogenetic location: 22q12.1.
Variant type: single nucleotide variant.
Coding change: c.846+10A>G on transcript NM_007194.4 (MANE Select); 10 bases into the intron after coding-DNA position 846, A replaced by G.
Molecular consequence: intron variant.
Genome position (GRCh38, 1-based): chr22:28,709,996, T>C on the plus strand (A>G on the coding strand, the complement: CHEK2 is on the minus strand). VCF-style: chr22-28709996-T-C. GRCh37 (hg19) VCF-style: chr22-29105984-T-C.
Other names: c.183+10A>G (NM_001437942.1, NM_001257387.3); c.645+10A>G (NM_001349956.3); c.846+10A>G (NM_145862.3); c.939+10A>G (NM_001438295.1, NM_001438293.1); c.975+10A>G (NM_001438294.1, NM_001005735.3).
Identifiers: ClinVar variation 1108322 (VCV001108322.11), dbSNP rs1345067762, ClinGen allele CA2499226078.
Genomic context (GRCh38, chr22:28,709,996, plus strand): 5'-GAAAGGCTTTATACTCTTCTCATATTTTGAGATAGATAAATCTAAGTATGAGTCATATAA[T>C]AATACTTACATGATTTAGCTTTTTCAAAATTTCTATTTCTGTTTCAACATTGAGAGCTGG-3'